The following is an entry in ClinVar:

ClinVar aggregate classification (germline): Pathogenic (1 of 4 stars; one submission).

Conditions:
46,XY sex reversal 2. Also called: NR0B1-Related 46,XY CGD; NR0B1-related 46,XY complete gonadal dysgenesis; Dosage-sensitive sex reversal; 46,XY SEX REVERSAL, DAX1-RELATED; 46XY sex reversal 2, dosage-sensitive. Identifiers: MedGen C1848296, MONDO:0010226, OMIM 300018.
Congenital adrenal hypoplasia, X-linked (AHC). Also called: Isolated X-Linked Adrenal Hypoplasia Congenita; X-linked AHC; X-Linked Adrenal Hypoplasia Congenita; ADRENAL HYPOPLASIA, CONGENITAL, WITH HYPOGONADOTROPIC HYPOGONADISM. Identifiers: Orphanet 95702, MedGen C0342482, MONDO:0010264, OMIM 300200. Disease mechanism: loss of function.

Submission:

Labcorp Genetics (formerly Invitae), Labcorp
Classification: Pathogenic for Congenital adrenal hypoplasia, X-linked; 46,XY sex reversal 2. Last evaluated: 2024-03-16. Review status: criteria provided, single submitter. Criteria: Invitae Variant Classification Sherloc (09022015). Collection method: clinical testing. Allele origin: germline.
Comment: This sequence change creates a premature translational stop signal (p.Phe201Leufs*3) in the NR0B1 gene. It is expected to result in an absent or disrupted protein product. Loss-of-function variants in NR0B1 are known to be pathogenic (PMID: 7990958, 15841486). This variant is not present in population databases (gnomAD no frequency). This variant has not been reported in the literature in individuals affected with NR0B1-related conditions. For these reasons, this variant has been classified as Pathogenic.

Literature cited by the submitters: PubMed 7990958; PubMed 15841486.

NM_000475.5(NR0B1):c.603_604del (p.Phe201fs)

Gene: NR0B1 (nuclear receptor subfamily 0 group B member 1; minus strand). Cytogenetic location: Xp21.2.
Variant type: Deletion.
Coding change: c.603_604del on transcript NM_000475.5 (MANE Select); coding-DNA positions 603 to 604, 2 bases deleted (TT; older notation c.603_604delTT).
Protein change: p.Phe201fs; shifts the reading frame from phenylalanine 201.
Molecular consequence: frameshift variant.
Genome position (GRCh38, 1-based): chrX:30,308,760-30,308,761, AA deleted on the plus strand (TT on the coding strand, the reverse complement: NR0B1 is on the minus strand); deleting any 2 consecutive bases within chrX:30,308,760-30,308,763 gives the same sequence; the c. name uses the placement nearest the transcript's 3' end. VCF-style (leftmost placement, unchanged base first): chrX-30308759-CAA-C. GRCh37 (hg19) VCF-style: chrX-30326876-CAA-C.
Other names: short protein forms F201fs.
Identifiers: ClinVar variation 3755336 (VCV003755336.2).